The following is an entry in ClinVar:

NM_004168.4(SDHA):c.1031C>T (p.Ser344Phe)

Gene: SDHA (succinate dehydrogenase complex flavoprotein subunit A; plus strand). Cytogenetic location: 5p15.33.
Variant type: single nucleotide variant.
Coding change: c.1031C>T on transcript NM_004168.4 (MANE Select); coding-DNA position 1031, C replaced by T.
Protein change: p.Ser344Phe; replaces serine 344 with phenylalanine.
Molecular consequence: missense variant.
Genome position (GRCh38, 1-based): chr5:233,612, C>T. VCF-style: chr5-233612-C-T. GRCh37 (hg19) VCF-style: chr5-233727-C-T.
Other names: c.887C>T, p.Ser296Phe (NM_001294332.2); c.1031C>T, p.Ser344Phe (NM_001330758.2); short protein forms S296F, S344F.
Identifiers: ClinVar variation 1009893 (VCV001009893.7), dbSNP rs1735563548, ClinGen allele CA359012924.
Genomic context (GRCh38, chr5:233,612, plus strand): 5'-AAAGGTTTATGGAGCGATACGCCCCTGTCGCGAAGGACCTGGCGTCTAGAGATGTGGTGT[C>T]TCGGTCCATGACTCTGGAGATCCGAGAAGGAAGGTGCGTGTGATTTACCACCAGCACTGT-3'
Protein context (NP_004159.2, residues 334-354): AKDLASRDVV[Ser344Phe]RSMTLEIREG

ClinVar aggregate classification (germline): Uncertain significance (1 of 4 stars; one submission).

Conditions:
Mitochondrial complex II deficiency, nuclear type 1. Also called: SUCCINATE CoQ REDUCTASE DEFICIENCY. Identifiers: Orphanet 3208, MedGen C5700310, MONDO:0100294, OMIM 252011.
Pheochromocytoma/paraganglioma syndrome 5. Also called: Paragangliomas 5; SDHA-Related Hereditary Paraganglioma-Pheochromocytoma Syndrome. Identifiers: Orphanet 29072, MedGen C3279992, MONDO:0013602, OMIM 614165.

Allele frequency attached by ClinVar (database versions not stated): TOPMed below 0.00001; gnomAD 0.00001.
gnomAD v4.1: 1 of 1,613,974 alleles (0.000062%); highest among the groups gnomAD compares: Non-Finnish European, 0.000085%; no homozygotes.

Submission:

Labcorp Genetics (formerly Invitae), Labcorp
Classification: Uncertain significance for Pheochromocytoma/paraganglioma syndrome 5; Mitochondrial complex II deficiency, nuclear type 1. Last evaluated: 2023-12-12. Review status: criteria provided, single submitter. Criteria: Invitae Variant Classification Sherloc (09022015). Collection method: clinical testing. Allele origin: germline.
Comment: This sequence change replaces serine, which is neutral and polar, with phenylalanine, which is neutral and non-polar, at codon 344 of the SDHA protein (p.Ser344Phe). This variant is not present in population databases (gnomAD no frequency). This variant has not been reported in the literature in individuals affected with SDHA-related conditions. ClinVar contains an entry for this variant (Variation ID: 1009893). Advanced modeling of protein sequence and biophysical properties (such as structural, functional, and spatial information, amino acid conservation, physicochemical variation, residue mobility, and thermodynamic stability) has been performed at Invitae for this missense variant, however the output from this modeling did not meet the statistical confidence thresholds required to predict the impact of this variant on SDHA protein function. In summary, the available evidence is currently insufficient to determine the role of this variant in disease. Therefore, it has been classified as a Variant of Uncertain Significance.